The following is an entry in ClinVar:

NM_006612.6(KIF1C):c.1750G>A (p.Gly584Arg)

Genes: KIF1C (kinesin family member 1C; plus strand), KIF1C-AS1 (KIF1C antisense RNA 1; minus strand), LOC126862473 (CDK7 strongly-dependent group 2 enhancer GRCh37_chr17:4923264-4924463; plus strand). Cytogenetic location: 17p13.2.
Variant type: single nucleotide variant.
Coding change: c.1750G>A on transcript NM_006612.6 (MANE Select); coding-DNA position 1750, G replaced by A.
Protein change: p.Gly584Arg; replaces glycine 584 with arginine.
Molecular consequence: missense variant. On other transcripts: non-coding transcript variant (1).
Genome position (GRCh38, 1-based): chr17:5,020,079, G>A. VCF-style: chr17-5020079-G-A. GRCh37 (hg19) VCF-style: chr17-4923374-G-A.
Other names: short protein forms G584R.
Identifiers: ClinVar variation 1991602 (VCV001991602.4), dbSNP rs1975056596, ClinGen allele CA397309880.

ClinVar aggregate classification (germline): Uncertain significance (1 of 4 stars; one submission).

Conditions:
Spastic ataxia 2. Also called: Ataxia, spastic, 2, autosomal recessive. Identifiers: Orphanet 397946, MedGen C1969796, MONDO:0012651, OMIM 611302.

Allele frequency attached by ClinVar (database versions not stated): TOPMed below 0.00001.

Submission:

Labcorp Genetics (formerly Invitae), Labcorp
Classification: Uncertain significance for Spastic ataxia 2. Last evaluated: 2026-01-12. Review status: criteria provided, single submitter. Criteria: Invitae Variant Classification Sherloc (09022015). Collection method: clinical testing. Allele origin: germline.
Comment: This sequence change replaces glycine, which is neutral and non-polar, with arginine, which is basic and polar, at codon 584 of the KIF1C protein (p.Gly584Arg). This variant also falls at the last nucleotide of exon 19, which is part of the consensus splice site for this exon. This variant is not present in population databases (gnomAD no frequency). This variant has not been reported in the literature in individuals affected with KIF1C-related conditions. ClinVar contains an entry for this variant (Variation ID: 1991602). An algorithm developed to predict the effect of missense changes on protein structure and function (PolyPhen-2) suggests that this variant is likely to be disruptive. Variants that disrupt the consensus splice site are a relatively common cause of aberrant splicing (PMID: 17576681, 9536098). Algorithms developed to predict the effect of sequence changes on RNA splicing suggest that this variant may disrupt the consensus splice site. In summary, the available evidence is currently insufficient to determine the role of this variant in disease. Therefore, it has been classified as a Variant of Uncertain Significance.

Literature cited by the submitters: PubMed 17576681; PubMed 9536098.